The following is an entry in ClinVar:

ClinVar aggregate classification (germline): Conflicting classifications of pathogenicity. Review status: criteria provided, conflicting classifications (1 of 4 stars). 2 submissions from 2 submitters: Uncertain significance (1); Likely benign (1). Last evaluated 2024-12-05.

Conditions:
Inborn genetic diseases. Identifiers: MedGen C0950123, MeSH D030342.
CHARGE syndrome (CHARGE). Also called: Hittner Hirsch Kreh syndrome; CHARGE ASSOCIATION--COLOBOMA, HEART ANOMALY, CHOANAL ATRESIA, RETARDATION, GENITAL AND EAR ANOMALIES; Coloboma, heart anomaly, choanal atresia, retardation, genital and ear anomalies; CHARGE association; Hall-Hittner syndrome. Identifiers: Orphanet 138, MedGen C0265354, MONDO:0008965.

Allele frequency attached by ClinVar (database versions not stated): TOPMed below 0.00001; gnomAD exomes 0.00001.
gnomAD v4.1: 15 of 1,598,504 alleles (0.00094%); highest among the groups gnomAD compares: Non-Finnish European, 0.0013%; no homozygotes.

Submissions (2):

Labcorp Genetics (formerly Invitae), Labcorp
Classification: Likely benign for CHARGE syndrome. Last evaluated: 2024-12-05. Review status: criteria provided, single submitter. Criteria: Invitae Variant Classification Sherloc (09022015). Collection method: clinical testing. Allele origin: germline.

Ambry Genetics
Classification: Uncertain significance for Inborn genetic diseases. Last evaluated: 2017-09-25. Review status: criteria provided, single submitter. Criteria: Ambry Variant Classification Scheme 2023. Collection method: clinical testing. Allele origin: germline.
Comment: The c.3379-5C>G intronic variant results from a C to G substitution 5 nucleotides upstream from coding exon 13 in the CHD7 gene. This nucleotide position is not well conserved in available vertebrate species. This alteration is predicted to decrease the efficiency of the native splice acceptor site by the BDGP and ESEfinder in silico models; however experimental evidence is not currently available. Since supporting evidence is limited at this time, the clinical significance of this alteration remains unclear.

NM_017780.4(CHD7):c.3379-5C>G

Gene: CHD7 (chromodomain helicase DNA binding protein 7; plus strand). Cytogenetic location: 8q12.2.
Variant type: single nucleotide variant.
Coding change: c.3379-5C>G on transcript NM_017780.4 (MANE Select); 5 bases into the intron before coding-DNA position 3379, C replaced by G.
Molecular consequence: intron variant.
Genome position (GRCh38, 1-based): chr8:60,828,658, C>G. VCF-style: chr8-60828658-C-G. GRCh37 (hg19) VCF-style: chr8-61741217-C-G.
Other names: c.1717-33571C>G (NM_001316690.1).
Identifiers: ClinVar variation 1730787 (VCV001730787.4), dbSNP rs1330900330, ClinGen allele CA853894439.